The following is an entry in ClinVar:

NM_174936.4(PCSK9):c.2022C>T (p.Ala674=)

Gene: PCSK9 (proprotein convertase subtilisin/kexin type 9; plus strand). Cytogenetic location: 1p32.3.
Variant type: single nucleotide variant.
Coding change: c.2022C>T on transcript NM_174936.4 (MANE Select); coding-DNA position 2022, C replaced by T.
Protein change: p.Ala674=; no amino-acid change (alanine 674 retained).
Molecular consequence: synonymous variant. On other transcripts: non-coding transcript variant (8).
Genome position (GRCh38, 1-based): chr1:55,063,527, C>T. VCF-style: chr1-55063527-C-T. GRCh37 (hg19) VCF-style: chr1-55529200-C-T.
Other names: c.2145C>T, p.Ala715= (NM_001407240.1); c.2064C>T, p.Ala688= (NM_001407241.1); c.2025C>T, p.Ala675= (NM_001407242.1); c.1965C>T, p.Ala655= (NM_001407243.1); c.1848C>T, p.Ala616= (NM_001407244.1); c.1830C>T, p.Ala610= (NM_001407245.1); c.1647C>T, p.Ala549= (NM_001407246.1); c.1521C>T, p.Ala507= (NM_001407247.1).
Identifiers: ClinVar variation 297709 (VCV000297709.65), dbSNP rs886046436, ClinGen allele CA871499.

ClinVar aggregate classification (germline): Conflicting classifications of pathogenicity. Review status: criteria provided, conflicting classifications (1 of 4 stars). 11 submissions from 10 submitters: Uncertain significance (2); Likely benign (9). Last evaluated 2026-05-25.

Conditions:
PCSK9-related disorder. Also called: PCSK9-related condition; PCSK9-related disorders.
Cardiovascular phenotype. Identifiers: MedGen CN230736.
Familial hypercholesterolemia. Also called: Familial hypercholesterolemias; Familial hypercholesterolaemia. Identifiers: MedGen C0020445, MONDO:0005439.
Hypobetalipoproteinemia. Identifiers: Orphanet 31154, MedGen C0020597, MONDO:0017774.
Hypercholesterolemia, autosomal dominant, 3 (FHCL3). Also called: Familial Hypercholesterolemia, Autosomal Dominant, 3; PCSK9-Related Familial Hypercholesterolemia, Autosomal Dominant; Familial hypercholesterolemia 3. Identifiers: MedGen C1863551, MONDO:0011369, OMIM 603776.

Allele frequency attached by ClinVar (database versions not stated): gnomAD 0.00002 and 0.00005; gnomAD exomes 0.00002; TOPMed 0.00002; ExAC 0.00003.

Submissions (11):

Women's Health and Genetics/Laboratory Corporation of America, LabCorp
Classification: Likely benign. Last evaluated: 2026-05-25. Review status: criteria provided, single submitter. Criteria: LabCorp Variant Classification Summary - May 2015. Collection method: clinical testing. Allele origin: germline.

Labcorp Genetics (formerly Invitae), Labcorp
Classification: Likely benign for Hypercholesterolemia, autosomal dominant, 3. Last evaluated: 2025-10-01. Review status: criteria provided, single submitter. Criteria: Invitae Variant Classification Sherloc (09022015). Collection method: clinical testing. Allele origin: germline.

Quest Diagnostics Nichols Institute San Juan Capistrano
Classification: Likely benign. Last evaluated: 2025-05-13. Review status: criteria provided, single submitter. Criteria: Quest Diagnostics criteria. Collection method: clinical testing. Allele origin: unknown.

PreventionGenetics, part of Exact Sciences
Classification: Likely benign for PCSK9-related condition. Last evaluated: 2024-10-27. Review status: criteria provided, single submitter. Criteria: ACMG Guidelines, 2015. Collection method: clinical testing. Allele origin: germline.
Comment: This variant is classified as likely benign based on ACMG/AMP sequence variant interpretation guidelines (Richards et al. 2015 PMID: 25741868, with internal and published modifications).

Blueprint Genetics
Classification: Likely benign. Last evaluated: 2024-09-23. Review status: criteria provided, single submitter. Criteria: ACMG Guidelines, 2015. Collection method: clinical testing. Allele origin: germline.

All of Us Research Program, National Institutes of Health
Classification: Likely benign for Hypercholesterolemia, autosomal dominant, 3. Last evaluated: 2024-02-05. Review status: criteria provided, single submitter. Criteria: ACMG Guidelines, 2015. Collection method: clinical testing. Allele origin: germline. Inheritance: Autosomal dominant inheritance. Observed: 4 variant alleles, 4 heterozygotes.
Comment: This study involves interpretation of variants in research participants for the purpose of population health screening. Participant phenotype was not available at the time of variant classification. Additional details can be found in publication PMID: 35346344, PMCID: PMC8962531

Ambry Genetics
Classification: Likely benign for Cardiovascular phenotype. Last evaluated: 2022-10-09. Review status: criteria provided, single submitter. Criteria: Ambry Variant Classification Scheme 2023. Collection method: clinical testing. Allele origin: germline.

CeGaT Center for Human Genetics Tuebingen
Classification: Likely benign. Last evaluated: 2018-05-01. Review status: criteria provided, single submitter. Criteria: CeGaT Center For Human Genetics Tuebingen Variant Classification Criteria Version 2. Collection method: clinical testing. Allele origin: germline. Affected: yes. Observed: 1 variant allele.

Illumina Laboratory Services, Illumina
Classification: Uncertain significance for Hypercholesterolemia, autosomal dominant, 3. Last evaluated: 2018-01-13. Review status: criteria provided, single submitter. Criteria: ICSL Variant Classification Criteria 13 December 2019. Collection method: clinical testing. Allele origin: germline.

Illumina Laboratory Services, Illumina
Classification: Uncertain significance for Hypobetalipoproteinemia. Last evaluated: 2018-01-13. Review status: criteria provided, single submitter. Criteria: ICSL Variant Classification Criteria 13 December 2019. Collection method: clinical testing. Allele origin: germline.

Color Diagnostics, LLC DBA Color Health
Classification: Likely benign for Familial hypercholesterolemias. Last evaluated: 2017-05-24. Review status: criteria provided, single submitter. Criteria: ACMG Guidelines, 2015. Collection method: clinical testing. Allele origin: germline.